The following is an entry in ClinVar:

NM_000059.4(BRCA2):c.6387A>T (p.Glu2129Asp)

Gene: BRCA2 (BRCA2 DNA repair associated; plus strand). Cytogenetic location: 13q13.1.
Variant type: single nucleotide variant.
Coding change: c.6387A>T on transcript NM_000059.4 (MANE Select); coding-DNA position 6387, A replaced by T.
Protein change: p.Glu2129Asp; replaces glutamic acid 2129 with aspartic acid.
Molecular consequence: missense variant.
Genome position (GRCh38, 1-based): chr13:32,340,742, A>T. VCF-style: chr13-32340742-A-T. GRCh37 (hg19) VCF-style: chr13-32914879-A-T.
Other names: short protein forms E2129D.
Identifiers: ClinVar variation 1493620 (VCV001493620.9), dbSNP rs2137526976, ClinGen allele CA387789204.
Genomic context (GRCh38, chr13:32,340,742, plus strand): 5'-TGATAAGAGAAACCCAGAGCACTGTGTAAACTCAGAAATGGAAAAAACCTGCAGTAAAGA[A>T]TTTAAATTATCAAATAACTTAAATGTTGAAGGTGGTTCTTCAGAAAATAATCACTCTATT-3'
Protein context (NP_000050.3, residues 2119-2139): NSEMEKTCSK[Glu2129Asp]FKLSNNLNVE

ClinVar aggregate classification (germline): Conflicting classifications of pathogenicity. Review status: criteria provided, conflicting classifications (1 of 4 stars). 2 submissions from 2 submitters: Uncertain significance (1); Likely benign (1). Last evaluated 2023-03-23.

Conditions:
Hereditary cancer-predisposing syndrome. Also called: Tumor predisposition; Hereditary neoplastic syndrome; Neoplastic Syndromes, Hereditary; Hereditary Cancer Syndrome. Identifiers: Orphanet 140162, MedGen C0027672, MeSH D009386, MONDO:0015356.
Hereditary breast ovarian cancer syndrome. Also called: Hereditary breast and ovarian cancer; Hereditary breast and ovarian cancer syndrome; Hereditary breast and/or ovarian cancer syndrome; Hereditary breast and ovarian cancer syndrome (HBOC); Breast and ovarian cancer; BRCA1- and BRCA2-Associated Hereditary Breast and Ovarian Cancer. Identifiers: Orphanet 145, MedGen C0677776, MeSH D061325, MONDO:0003582. Disease mechanism: loss of function.

Submissions (2):

University of Washington Department of Laboratory Medicine, University of Washington
Classification: Likely benign for Hereditary cancer-predisposing syndrome. Last evaluated: 2023-03-23. Review status: criteria provided, single submitter. Criteria: Dines et al. (Genet Med. 2020). Collection method: curation. Allele origin: germline.
Comment: Missense variant in a coldspot region where missense variants are very unlikely to be pathogenic (PMID:31911673).

BRCA2 exon 11 coldspot. Reclassification based on statistical prior probability.

Labcorp Genetics (formerly Invitae), Labcorp
Classification: Uncertain significance for Hereditary breast ovarian cancer syndrome. Last evaluated: 2021-02-07. Review status: criteria provided, single submitter. Criteria: Invitae Variant Classification Sherloc (09022015). Collection method: clinical testing. Allele origin: germline.
Comment: This sequence change replaces glutamic acid with aspartic acid at codon 2129 of the BRCA2 protein (p.Glu2129Asp). The glutamic acid residue is moderately conserved and there is a small physicochemical difference between glutamic acid and aspartic acid. This variant is not present in population databases (ExAC no frequency). This variant has not been reported in the literature in individuals with BRCA2-related conditions. Advanced modeling of protein sequence and biophysical properties (such as structural, functional, and spatial information, amino acid conservation, physicochemical variation, residue mobility, and thermodynamic stability) performed at Invitae indicates that this missense variant is not expected to disrupt BRCA2 protein function. In summary, the available evidence is currently insufficient to determine the role of this variant in disease. Therefore, it has been classified as a Variant of Uncertain Significance.